The following is an entry in ClinVar:

NM_000388.4(CASR):c.1259T>A (p.Val420Glu)

Gene: CASR (calcium sensing receptor; plus strand). Cytogenetic location: 3q21.1.
Variant type: single nucleotide variant.
Coding change: c.1259T>A on transcript NM_000388.4 (MANE Select); coding-DNA position 1259, T replaced by A.
Protein change: p.Val420Glu; replaces valine 420 with glutamic acid.
Molecular consequence: missense variant.
Genome position (GRCh38, 1-based): chr3:122,262,294, T>A. VCF-style: chr3-122262294-T-A. GRCh37 (hg19) VCF-style: chr3-121981141-T-A.
Other names: c.1259T>A, p.Val420Glu (NM_001178065.2); c.1259T>A (NM_001178065.1); short protein forms V420E.
Identifiers: ClinVar variation 2098247 (VCV002098247.5), dbSNP rs2473228793, ClinGen allele CA354152938.
Genomic context (GRCh38, chr3:122,262,294, plus strand): 5'-ACATCAGCAGTGTCGAGACCCCTTACATAGATTACACGCATTTACGGATATCCTACAATG[T>A]GTACTTAGCAGTCTACTCCATTGCCCACGCCTTGCAAGATATATATACCTGCTTACCTGG-3'
Protein context (NP_000379.3, residues 410-430): DYTHLRISYN[Val420Glu]YLAVYSIAHA

ClinVar aggregate classification (germline): Uncertain significance. Review status: criteria provided, multiple submitters, no conflicts (2 of 4 stars). 2 submissions from 2 submitters: Uncertain significance (2). Last evaluated 2025-06-26.

Conditions:
Autosomal dominant hypocalcemia 1 (HYPOC1). Also called: HYPOCALCEMIA, FAMILIAL. Identifiers: MedGen C3715128, MONDO:0011013, OMIM 601198.
Familial hypocalciuric hypercalcemia (FHH). Also called: Familial benign hypercalcemia. Identifiers: Orphanet 405, MedGen C1809471, MONDO:0018458.
CASR-related disorder. Also called: CASR-related condition.

Submissions (2):

PreventionGenetics, part of Exact Sciences
Classification: Uncertain significance for CASR-related condition. Last evaluated: 2025-06-26. Review status: criteria provided, single submitter. Criteria: ACMG Guidelines, 2015. Collection method: clinical testing. Allele origin: germline.
Comment: The CASR c.1259T>A variant is predicted to result in the amino acid substitution p.Val420Glu. To our knowledge, this variant has not been reported in the literature or in a large population database (gnomAD), indicating this variant is rare. An alternate missense change at this amino acid position, described as c.1258G>A (p.Val420Met), has been reported in an individual with hypercalcemia (Nissen et al. 2019. PubMed ID: 31433865). At this time, the clinical significance of this variant is uncertain due to the absence of conclusive functional and genetic evidence.

Labcorp Genetics (formerly Invitae), Labcorp
Classification: Uncertain significance for Familial hypocalciuric hypercalcemia; Autosomal dominant hypocalcemia 1. Last evaluated: 2022-06-29. Review status: criteria provided, single submitter. Criteria: Invitae Variant Classification Sherloc (09022015). Collection method: clinical testing. Allele origin: germline.
Comment: In summary, the available evidence is currently insufficient to determine the role of this variant in disease. Therefore, it has been classified as a Variant of Uncertain Significance. Algorithms developed to predict the effect of missense changes on protein structure and function (SIFT, PolyPhen-2, Align-GVGD) all suggest that this variant is likely to be disruptive. This variant has not been reported in the literature in individuals affected with CASR-related conditions. This variant is not present in population databases (gnomAD no frequency). This sequence change replaces valine, which is neutral and non-polar, with glutamic acid, which is acidic and polar, at codon 420 of the CASR protein (p.Val420Glu).